The following is an entry in ClinVar:

NM_016938.5(EFEMP2):c.422A>T (p.His141Leu)

Gene: EFEMP2 (EGF-like fibulin extracellular matrix protein 2; minus strand). Cytogenetic location: 11q13.1.
Variant type: single nucleotide variant.
Coding change: c.422A>T on transcript NM_016938.5 (MANE Select); coding-DNA position 422, A replaced by T.
Protein change: p.His141Leu; replaces histidine 141 with leucine.
Molecular consequence: missense variant. On other transcripts: non-coding transcript variant (1).
Genome position (GRCh38, 1-based): chr11:65,870,604, T>A on the plus strand (A>T on the coding strand, the complement: EFEMP2 is on the minus strand). VCF-style: chr11-65870604-T-A. GRCh37 (hg19) VCF-style: chr11-65638075-T-A.
Other names: short protein forms H141L.
Identifiers: ClinVar variation 472825 (VCV000472825.15), dbSNP rs148315164, ClinGen allele CA6110671.

ClinVar aggregate classification (germline): Conflicting classifications of pathogenicity. Review status: criteria provided, conflicting classifications (1 of 4 stars). 5 submissions from 5 submitters: Uncertain significance (3); Benign (1); Likely benign (1). Last evaluated 2026-10-14.

Conditions:
Cardiovascular phenotype. Identifiers: MedGen CN230736.
Cutis laxa, autosomal recessive, type 1B (ARCL1B). Also called: EFEMP2-Related Cutis Laxa; CUTIS LAXA, AUTOSOMAL RECESSIVE, TYPE IB. Identifiers: Orphanet 90349, MedGen C3280798, MONDO:0013754, OMIM 614437. Disease mechanism: loss of function.

Allele frequency attached by ClinVar (database versions not stated): TOPMed 0.00012; 1000 Genomes Project 30x 0.00031; 1000 Genomes Project 0.00040; ExAC 0.00044; gnomAD exomes 0.00018 and 0.00026; gnomAD 0.00015; ESP Exome Variant Server 0.00038.
gnomAD v4.1: 282 of 1,614,126 alleles (0.017%); highest among the groups gnomAD compares: Non-Finnish European, 0.021%; no homozygotes.

Submissions (5):

GeneDx
Classification: Uncertain significance. Last evaluated: 2026-10-14. Review status: criteria provided, single submitter. Criteria: GeneDx Variant Classification Process June 2021. Collection method: clinical testing. Allele origin: germline.
Comment: Has not been previously published as pathogenic or benign to our knowledge; In silico analysis suggests that this missense variant does not alter protein structure/function

Labcorp Genetics (formerly Invitae), Labcorp
Classification: Likely benign for Cutis laxa, autosomal recessive, type 1B. Last evaluated: 2026-01-20. Review status: criteria provided, single submitter. Criteria: Invitae Variant Classification Sherloc (09022015). Collection method: clinical testing. Allele origin: germline.

Blueprint Genetics
Classification: Uncertain significance. Last evaluated: 2024-09-07. Review status: criteria provided, single submitter. Criteria: ACMG Guidelines, 2015. Collection method: clinical testing. Allele origin: germline.

Fulgent Genetics
Classification: Uncertain significance for Cutis laxa, autosomal recessive, type 1B. Last evaluated: 2021-11-16. Review status: criteria provided, single submitter. Criteria: ACMG Guidelines, 2015. Collection method: clinical testing. Allele origin: unknown.

Ambry Genetics
Classification: Benign for Cardiovascular phenotype. Last evaluated: 2019-07-15. Review status: criteria provided, single submitter. Criteria: Ambry Variant Classification Scheme 2023. Collection method: clinical testing. Allele origin: germline.